The following is an entry in ClinVar:

ClinVar aggregate classification (germline): Benign/Likely benign. Review status: criteria provided, multiple submitters, no conflicts (2 of 4 stars). 4 submissions from 4 submitters: Benign (1); Likely benign (3). Last evaluated 2026-01-13.

Conditions:
Inborn genetic diseases. Identifiers: MedGen C0950123, MeSH D030342.
SLC35A2-congenital disorder of glycosylation. Also called: SLC35A2-CDG; CONGENITAL DISORDER OF GLYCOSYLATION, TYPE IIm; CDG IIm; CONGENITAL DISORDER OF GLYCOSYLATION, TYPE IIm, SOMATIC MOSAIC; EPILEPTIC ENCEPHALOPATHY, EARLY INFANTILE, 22; DEVELOPMENTAL AND EPILEPTIC ENCEPHALOPATHY 22. Identifiers: Orphanet 356961, MedGen C3806688, MONDO:0010478, OMIM 300896.

Allele frequency attached by ClinVar (database versions not stated): gnomAD exomes 0.00026 and 0.00024; TOPMed 0.00027; ExAC 0.00042; gnomAD 0.00022 and 0.00023.
gnomAD v4.1: 282 of 1,161,770 alleles (0.024%); highest among the groups gnomAD compares: Middle Eastern, 0.08%; no homozygotes.

Submissions (4):

Labcorp Genetics (formerly Invitae), Labcorp
Classification: Benign for SLC35A2-congenital disorder of glycosylation. Last evaluated: 2026-01-13. Review status: criteria provided, single submitter. Criteria: Invitae Variant Classification Sherloc (09022015). Collection method: clinical testing. Allele origin: germline.

Blueprint Genetics
Classification: Likely benign. Last evaluated: 2024-09-18. Review status: criteria provided, single submitter. Criteria: ACMG Guidelines, 2015. Collection method: clinical testing. Allele origin: germline.

CeGaT Center for Human Genetics Tuebingen
Classification: Likely benign. Last evaluated: 2022-07-01. Review status: criteria provided, single submitter. Criteria: CeGaT Center For Human Genetics Tuebingen Variant Classification Criteria Version 2. Collection method: clinical testing. Allele origin: germline. Affected: yes. Observed: 1 variant allele.
Comment: SLC35A2: BP4, BP7

Ambry Genetics
Classification: Likely benign for Inborn genetic diseases. Last evaluated: 2017-02-15. Review status: criteria provided, single submitter. Criteria: Ambry Variant Classification Scheme 2023. Collection method: clinical testing. Allele origin: germline.

NM_005660.3(SLC35A2):c.12T>G (p.Val4=)

Gene: SLC35A2 (solute carrier family 35 member A2; minus strand). Cytogenetic location: Xp11.23.
Variant type: single nucleotide variant.
Coding change: c.12T>G on transcript NM_005660.3 (MANE Select); coding-DNA position 12, T replaced by G.
Protein change: p.Val4=; no amino-acid change (valine 4 retained).
Molecular consequence: synonymous variant. On other transcripts: intron variant (1).
Genome position (GRCh38, 1-based): chrX:48,911,625, A>C on the plus strand (T>G on the coding strand, the complement: SLC35A2 is on the minus strand). VCF-style: chrX-48911625-A-C. GRCh37 (hg19) VCF-style: chrX-48768902-A-C.
Other names: c.12T>G, p.Val4= (NM_001032289.3, NM_001042498.3, NM_001282647.2 and 3 more transcripts); c.19+234T>G (NM_001282648.2).
Identifiers: ClinVar variation 238266 (VCV000238266.45), dbSNP rs782793880, ClinGen allele CA10406221.